The following is an entry in ClinVar:

NM_175914.5(HNF4A):c.1217-151A>C

Gene: HNF4A (hepatocyte nuclear factor 4 alpha; plus strand). Cytogenetic location: 20q13.12.
Variant type: single nucleotide variant.
Coding change: c.1217-151A>C on transcript NM_175914.5 (MANE Select); 151 bases into the intron before coding-DNA position 1217, A replaced by C.
Molecular consequence: intron variant.
Genome position (GRCh38, 1-based): chr20:44,429,372, A>C. VCF-style: chr20-44429372-A-C. GRCh37 (hg19) VCF-style: chr20-43058012-A-C.
Other names: c.1178-151A>C (NM_001287182.2); c.1187-151A>C (NM_001030003.3); c.1208-151A>C (NM_001287183.2); c.1262-151A>C (NM_001258355.2); c.1253-151A>C (NM_178849.3); c.1283-151A>C (NM_000457.6).
Identifiers: ClinVar variation 676885 (VCV000676885.3), dbSNP rs74173201, ClinGen allele CA15966568.

ClinVar aggregate classification (germline): Conflicting classifications of pathogenicity. Review status: criteria provided, conflicting classifications (1 of 4 stars). 3 submissions from 3 submitters: Uncertain significance (1); Benign (2). Last evaluated 2018-06-14.

Conditions:
Maturity-onset diabetes of the young (MODY). Also called: Maturity onset diabetes mellitus in young. Identifiers: Orphanet 552, MedGen C0342276, MONDO:0018911, HP:0004904.

Allele frequency attached by ClinVar (database versions not stated): 1000 Genomes Project 0.05970; 1000 Genomes Project 30x 0.06027; gnomAD exomes 0.07010; gnomAD 0.07406 and 0.07467; TOPMed 0.07834.
gnomAD v4.1: 59,263 of 836,104 alleles (7.1%); highest among the groups gnomAD compares: Admixed American, 13%; 2,452 homozygotes.

Submissions (3):

GeneDx
Classification: Benign. Last evaluated: 2018-06-14. Review status: criteria provided, single submitter. Criteria: GeneDx Variant Classification (06012015). Collection method: clinical testing. Allele origin: germline. Affected: yes.
Comment: This variant is considered likely benign or benign based on one or more of the following criteria: it is a conservative change, it occurs at a poorly conserved position in the protein, it is predicted to be benign by multiple in silico algorithms, and/or has population frequency not consistent with disease.

Breakthrough Genomics
Classification: Benign. Review status: criteria provided, single submitter. Criteria: ACMG Guidelines, 2015. Collection method: not provided. Allele origin: germline. Inheritance: Autosomal dominant inheritance. Affected: yes.

Clinical Genomics, Uppaluri K&H Personalized Medicine Clinic
Classification: Uncertain significance for Maturity-onset diabetes of the young. Review status: criteria provided, single submitter. Criteria: K & H Uppaluri Personalized Medicine Clinic Variant Classification & Assertion Criteria_Updated V.1. Collection method: research. Allele origin: unknown. Inheritance: Autosomal dominant inheritance.
Comment: Potent mutations in HNF4A are associated with poor insulin secretion in response to hyperglycemia. Associated with MODY1. Patients initially respond well to sulfonylureas but eventually become insulin dependent. However, more evidence is required to ascertain the role of this particular variant rs74173201 in MODY, yet.

Literature cited by the submitters: DOI 10.1159/000334532 (cited by Clinical Genomics, Uppaluri K&H Personalized Medicine Clinic); PubMed 18268044 (cited by Clinical Genomics, Uppaluri K&H Personalized Medicine Clinic); PubMed 17563455 (cited by Clinical Genomics, Uppaluri K&H Personalized Medicine Clinic); PubMed 32583173 (cited by Clinical Genomics, Uppaluri K&H Personalized Medicine Clinic); PubMed 35052457 (cited by Clinical Genomics, Uppaluri K&H Personalized Medicine Clinic); PubMed 35118593 (cited by Clinical Genomics, Uppaluri K&H Personalized Medicine Clinic).